The following is an entry in ClinVar:

NM_000179.3(MSH6):c.166_178del (p.Gly56fs)

Gene: MSH6 (mutS homolog 6; plus strand). Cytogenetic location: 2p16.3.
Variant type: Deletion.
Coding change: c.166_178del on transcript NM_000179.3 (MANE Select); coding-DNA positions 166 to 178, 13 bases deleted (GGGCCCAGGCCCT).
Protein change: p.Gly56fs; shifts the reading frame from glycine 56.
Molecular consequence: frameshift variant. On other transcripts: 5 prime UTR variant (1).
Genome position (GRCh38, 1-based): chr2:47,783,399-47,783,411, GGGCCCAGGCCCT deleted; deleting any 13 consecutive bases within chr2:47,783,396-47,783,411 gives the same sequence; the c. name uses the placement nearest the transcript's 3' end. VCF-style (leftmost placement, unchanged base first): chr2-47783395-GCCTGGGCCCAGGC-G. GRCh37 (hg19) VCF-style: chr2-48010534-GCCTGGGCCCAGGC-G.
Other names: c.166_178del, p.Gly56fs (NM_001281492.2); c.-571_-559del (NM_001281493.2); c.166_178delGGGCCCAGGCCCT, p.Gly56Trpfs (NM_001406795.1, NM_001406796.1, NM_001406798.1 and 8 more transcripts); c.-163_-151delGGGCCCAGGCCCT (NM_001406799.1); c.111_123delGGGCCCAGGCCCT, p.Pro39Alafs (NM_001406804.1); c.-763_-751delGGGCCCAGGCCCT (NM_001406807.1); c.-571_-559delGGGCCCAGGCCCT (NM_001406811.1); c.-418_-406delGGGCCCAGGCCCT (NM_001406812.1); and 3 more; short protein forms G56fs.
Identifiers: ClinVar variation 1777470 (VCV001777470.2), dbSNP rs2530319897, ClinGen allele CA2580067068.

ClinVar aggregate classification (germline): Pathogenic (1 of 4 stars; one submission).

Conditions:
Hereditary cancer-predisposing syndrome. Also called: Neoplastic Syndromes, Hereditary; Tumor predisposition; Hereditary Cancer Syndrome; Hereditary neoplastic syndrome. Identifiers: Orphanet 140162, MedGen C0027672, MeSH D009386, MONDO:0015356.

Submission:

Ambry Genetics
Classification: Pathogenic for Hereditary cancer-predisposing syndrome. Last evaluated: 2018-12-27. Review status: criteria provided, single submitter. Criteria: Ambry Variant Classification Scheme 2023. Collection method: clinical testing. Allele origin: germline.
Comment: The c.166_178del13 pathogenic mutation, located in coding exon 1 of the MSH6 gene, results from a deletion of 13 nucleotides at nucleotide positions 166 to 178, causing a translational frameshift with a predicted alternate stop codon (p.G56Wfs*21). This alteration is expected to result in loss of function by premature protein truncation or nonsense-mediated mRNA decay. As such, this alteration is interpreted as a disease-causing mutation.